The following is an entry in ClinVar:

NM_000219.6(KCNE1):c.45G>C (p.Lys15Asn)

Gene: KCNE1 (potassium voltage-gated channel subfamily E regulatory subunit 1; minus strand). Cytogenetic location: 21q22.12.
Variant type: single nucleotide variant.
Coding change: c.45G>C on transcript NM_000219.6 (MANE Select); coding-DNA position 45, G replaced by C.
Protein change: p.Lys15Asn; replaces lysine 15 with asparagine.
Molecular consequence: missense variant.
Genome position (GRCh38, 1-based): chr21:34,449,590, C>G on the plus strand (G>C on the coding strand, the complement: KCNE1 is on the minus strand). VCF-style: chr21-34449590-C-G. GRCh37 (hg19) VCF-style: chr21-35821888-C-G.
Other names: c.45G>C, p.Lys15Asn (NM_001127668.4, NM_001127669.4, NM_001127670.4 and 4 more transcripts); short protein forms K15N.
Identifiers: ClinVar variation 3373896 (VCV003373896.2).

Conditions:
Long QT syndrome 5 (LQT5). Identifiers: Orphanet 101016, Orphanet 768, MedGen C1867904, MONDO:0013372, OMIM 613695.

Submission:

Roden Lab, Vanderbilt University Medical Center
No classification provided (evidence only). Condition: Long QT syndrome 5. Review status: no classification provided. Collection method: in vitro. Allele origin: not applicable. Functional consequence: Effect on ion channel function.
ClinVar note: "not provided" was previously submitted as the classification for the variant. However, the classification appeared to be based only on an observation of functional data so it was converted to no classification on 2025-07-30.